The following is an entry in ClinVar:

NM_000083.3(CLCN1):c.2024A>C (p.Gln675Pro)

Genes: CLCN1 (chloride voltage-gated channel 1; plus strand), LOC123956257 (Sharpr-MPRA regulatory region 4117; plus strand). Cytogenetic location: 7q34.
Variant type: single nucleotide variant.
Coding change: c.2024A>C on transcript NM_000083.3 (MANE Select); coding-DNA position 2024, A replaced by C.
Protein change: p.Gln675Pro; replaces glutamine 675 with proline.
Molecular consequence: missense variant. On other transcripts: non-coding transcript variant (1).
Genome position (GRCh38, 1-based): chr7:143,345,614, A>C. VCF-style: chr7-143345614-A-C. GRCh37 (hg19) VCF-style: chr7-143042707-A-C.
Other names: short protein forms Q675P.
Identifiers: ClinVar variation 447059 (VCV000447059.14), dbSNP rs768582911, ClinGen allele CA4537531.

ClinVar aggregate classification (germline): Uncertain significance. Review status: criteria provided, multiple submitters, no conflicts (2 of 4 stars). 5 submissions from 5 submitters: Uncertain significance (5). Last evaluated 2025-01-23.

Conditions:
Inborn genetic diseases. Identifiers: MedGen C0950123, MeSH D030342.
Congenital myotonia, autosomal recessive form. Also called: myotonia congenita, autosomal recessive; BECKER DISEASE; Becker Generalized Myotonia. Identifiers: Orphanet 614, MedGen C0751360, MONDO:0009715, OMIM 255700.
Congenital myotonia, autosomal dominant form (THD). Also called: THOMSEN DISEASE; Myotonia congenita autosomal dominant. Identifiers: Orphanet 614, MedGen C2936781, MONDO:0008055, OMIM 160800.

Allele frequency attached by ClinVar (database versions not stated): ExAC below 0.00001; gnomAD 0.00005 and 0.00006; TOPMed 0.00009.
gnomAD v4.1: 352 of 1,558,418 alleles (0.023%); highest among the groups gnomAD compares: Non-Finnish European, 0.03%; no homozygotes.

Submissions (5):

Labcorp Genetics (formerly Invitae), Labcorp
Classification: Uncertain significance for Congenital myotonia, autosomal recessive form; Congenital myotonia, autosomal dominant form. Last evaluated: 2025-01-23. Review status: criteria provided, single submitter. Criteria: Invitae Variant Classification Sherloc (09022015). Collection method: clinical testing. Allele origin: germline.
Comment: This sequence change replaces glutamine, which is neutral and polar, with proline, which is neutral and non-polar, at codon 675 of the CLCN1 protein (p.Gln675Pro). This variant is present in population databases (rs768582911, gnomAD 0.02%). This variant has not been reported in the literature in individuals affected with CLCN1-related conditions. ClinVar contains an entry for this variant (Variation ID: 447059). Invitae Evidence Modeling of protein sequence and biophysical properties (such as structural, functional, and spatial information, amino acid conservation, physicochemical variation, residue mobility, and thermodynamic stability) has been performed for this missense variant. However, the output from this modeling did not meet the statistical confidence thresholds required to predict the impact of this variant on CLCN1 protein function. In summary, the available evidence is currently insufficient to determine the role of this variant in disease. Therefore, it has been classified as a Variant of Uncertain Significance.

Ambry Genetics
Classification: Uncertain significance for Inborn genetic diseases. Last evaluated: 2024-03-31. Review status: criteria provided, single submitter. Criteria: Ambry Variant Classification Scheme 2023. Collection method: clinical testing. Allele origin: germline.

GeneDx
Classification: Uncertain significance. Last evaluated: 2024-01-03. Review status: criteria provided, single submitter. Criteria: GeneDx Variant Classification Process June 2021. Collection method: clinical testing. Allele origin: germline. Affected: yes.
Comment: Not observed at significant frequency in large population cohorts (gnomAD); In silico analysis supports that this missense variant has a deleterious effect on protein structure/function; Has not been previously published as pathogenic or benign to our knowledge

Revvity Omics, Revvity
Classification: Uncertain significance. Last evaluated: 2021-10-12. Review status: criteria provided, single submitter. Criteria: ACMG Guidelines, 2015. Collection method: clinical testing. Allele origin: germline.

Athena Diagnostics
Classification: Uncertain significance. Last evaluated: 2016-08-26. Review status: criteria provided, single submitter. Criteria: Athena Diagnostics Criteria. Collection method: clinical testing. Allele origin: germline.